The following is an entry in ClinVar:

NM_001430.5(EPAS1):c.1956G>C (p.Trp652Cys)

Gene: EPAS1 (endothelial PAS domain protein 1; plus strand). Cytogenetic location: 2p21.
Variant type: single nucleotide variant.
Coding change: c.1956G>C on transcript NM_001430.5 (MANE Select); coding-DNA position 1956, G replaced by C.
Protein change: p.Trp652Cys; replaces tryptophan 652 with cysteine.
Molecular consequence: missense variant.
Genome position (GRCh38, 1-based): chr2:46,380,628, G>C. VCF-style: chr2-46380628-G-C. GRCh37 (hg19) VCF-style: chr2-46607767-G-C.
Other names: short protein forms W652C.
Identifiers: ClinVar variation 3221586 (VCV003221586.1), dbSNP rs866945033, ClinGen allele CA46567094.

ClinVar aggregate classification (germline): Uncertain significance (1 of 4 stars; one submission).

Conditions:
Inborn genetic diseases. Identifiers: MedGen C0950123, MeSH D030342.

Allele frequency attached by ClinVar (database versions not stated): gnomAD exomes below 0.00001.
gnomAD v4.1: 1 of 1,614,054 alleles (0.000062%); highest among the groups gnomAD compares: Middle Eastern, 0.016%; no homozygotes.

Submission:

Ambry Genetics
Classification: Uncertain significance for Inborn genetic diseases. Last evaluated: 2024-02-06. Review status: criteria provided, single submitter. Criteria: Ambry Variant Classification Scheme 2023. Collection method: clinical testing. Allele origin: germline.
Comment: The p.W652C variant (also known as c.1956G>C), located in coding exon 12 of the EPAS1 gene, results from a G to C substitution at nucleotide position 1956. The tryptophan at codon 652 is replaced by cysteine, an amino acid with highly dissimilar properties. This amino acid position is conserved. In addition, the in silico prediction for this alteration is inconclusive. Based on the available evidence, the clinical significance of this alteration remains unclear.